The following is an entry in ClinVar:

ClinVar aggregate classification (germline): Uncertain significance (1 of 4 stars; one submission).

Submission:

Labcorp Genetics (formerly Invitae), Labcorp
Classification: Uncertain significance. Last evaluated: 2025-01-01. Review status: criteria provided, single submitter. Criteria: Invitae Variant Classification Sherloc (09022015). Collection method: clinical testing. Allele origin: germline.
Comment: This sequence change falls in intron 7 of the LZTR1 gene. It does not directly change the encoded amino acid sequence of the LZTR1 protein. This variant is not present in population databases (gnomAD no frequency). This variant has not been reported in the literature in individuals affected with LZTR1-related conditions. In summary, the available evidence is currently insufficient to determine the role of this variant in disease. Therefore, it has been classified as a Variant of Uncertain Significance.

NM_006767.4(LZTR1):c.651+23_651+24insTGCAGGTGGAGGAGGTGAGGGGCATGGGGAGACAGGG

Gene: LZTR1 (leucine zipper like post translational regulator 1; plus strand). Cytogenetic location: 22q11.21.
Variant type: Insertion.
Coding change: c.651+23_651+24insTGCAGGTGGAGGAGGTGAGGGGCATGGGGAGACAGGG on transcript NM_006767.4 (MANE Select); bases 23 to 24 of the intron after coding-DNA position 651, TGCAGGTGGAGGAGGTGAGGGGCATGGGGAGACAGGG inserted.
Molecular consequence: intron variant.
Genome position: GRCh38: chr22:20,989,705-20,989,706. GRCh37 (hg19): chr22:21,343,994-21,343,995.
Identifiers: ClinVar variation 3617405 (VCV003617405.2).